The following is an entry in ClinVar:

ClinVar aggregate classification (germline): Conflicting classifications of pathogenicity. Review status: criteria provided, conflicting classifications (1 of 4 stars). 2 submissions from 2 submitters: Uncertain significance (1); Likely benign (1). Last evaluated 2025-08-01.

Conditions:
Renal cell carcinoma. Identifiers: Orphanet 217071, MedGen C0007134, MeSH D002292, MONDO:0005086, HP:0005584.
Hereditary cancer-predisposing syndrome. Also called: Neoplastic Syndromes, Hereditary; Tumor predisposition; Hereditary neoplastic syndrome; Hereditary Cancer Syndrome. Identifiers: Orphanet 140162, MedGen C0027672, MeSH D009386, MONDO:0015356.

Allele frequency attached by ClinVar (database versions not stated): ExAC 0.00001; gnomAD 0.00001.
gnomAD v4.1: 1 of 1,602,694 alleles (0.000062%); no homozygotes.

Submissions (2):

Labcorp Genetics (formerly Invitae), Labcorp
Classification: Uncertain significance for Renal cell carcinoma. Last evaluated: 2025-08-01. Review status: criteria provided, single submitter. Criteria: Invitae Variant Classification Sherloc (09022015). Collection method: clinical testing. Allele origin: germline.
Comment: This sequence change replaces phenylalanine, which is neutral and non-polar, with leucine, which is neutral and non-polar, at codon 398 of the MET protein (p.Phe398Leu). This variant is present in population databases (rs771908927, gnomAD 0.006%). This variant has not been reported in the literature in individuals affected with MET-related conditions. ClinVar contains an entry for this variant (Variation ID: 2715215). Invitae Evidence Modeling of protein sequence and biophysical properties (such as structural, functional, and spatial information, amino acid conservation, physicochemical variation, residue mobility, and thermodynamic stability) indicates that this missense variant is not expected to disrupt MET protein function with a negative predictive value of 80%. In summary, the available evidence is currently insufficient to determine the role of this variant in disease. Therefore, it has been classified as a Variant of Uncertain Significance.

Ambry Genetics
Classification: Likely benign for Hereditary cancer-predisposing syndrome. Last evaluated: 2024-12-24. Review status: criteria provided, single submitter. Criteria: Ambry Variant Classification Scheme 2023. Collection method: clinical testing. Allele origin: germline.

NM_000245.4(MET):c.1192T>C (p.Phe398Leu)

Gene: MET (MET proto-oncogene, receptor tyrosine kinase; plus strand). Cytogenetic location: 7q31.2.
Variant type: single nucleotide variant.
Coding change: c.1192T>C on transcript NM_000245.4 (MANE Select); coding-DNA position 1192, T replaced by C.
Protein change: p.Phe398Leu; replaces phenylalanine 398 with leucine.
Molecular consequence: missense variant. On other transcripts: intron variant (1).
Genome position (GRCh38, 1-based): chr7:116,700,276, T>C. VCF-style: chr7-116700276-T-C. GRCh37 (hg19) VCF-style: chr7-116340330-T-C.
Other names: c.1192T>C, p.Phe398Leu (NM_001127500.3, NM_001324401.3); c.-91+27699T>C (NM_001324402.2); short protein forms F398L.
Identifiers: ClinVar variation 2715215 (VCV002715215.4), dbSNP rs771908927, ClinGen allele CA4448083.